The following is an entry in ClinVar:

ClinVar aggregate classification (germline): Uncertain significance (1 of 4 stars; one submission).

Conditions:
Charcot-Marie-Tooth disease axonal type 2O. Also called: CHARCOT-MARIE-TOOTH NEUROPATHY, AXONAL, TYPE 2O; CHARCOT-MARIE-TOOTH DISEASE, AXONAL, AUTOSOMAL DOMINANT, TYPE 2O; Charcot-Marie-Tooth Neuropathy Type 2O; Charcot-Marie-Tooth disease, axonal, type 20. Identifiers: Orphanet 284232, MedGen C3280220, MONDO:0013644, OMIM 614228.

gnomAD v4.1: 6 of 1,614,144 alleles (0.00037%); highest among the groups gnomAD compares: South Asian, 0.0011%; no homozygotes.

Submission:

Labcorp Genetics (formerly Invitae), Labcorp
Classification: Uncertain significance for Charcot-Marie-Tooth disease axonal type 2O. Last evaluated: 2025-05-05. Review status: criteria provided, single submitter. Criteria: Invitae Variant Classification Sherloc (09022015). Collection method: clinical testing. Allele origin: germline.
Comment: This sequence change replaces valine, which is neutral and non-polar, with isoleucine, which is neutral and non-polar, at codon 3839 of the DYNC1H1 protein (p.Val3839Ile). This variant is not present in population databases (gnomAD no frequency). This variant has not been reported in the literature in individuals affected with DYNC1H1-related conditions. Invitae Evidence Modeling of protein sequence and biophysical properties (such as structural, functional, and spatial information, amino acid conservation, physicochemical variation, residue mobility, and thermodynamic stability) indicates that this missense variant is not expected to disrupt DYNC1H1 protein function with a negative predictive value of 95%. In summary, the available evidence is currently insufficient to determine the role of this variant in disease. Therefore, it has been classified as a Variant of Uncertain Significance.

NM_001376.5(DYNC1H1):c.11515G>A (p.Val3839Ile)

Gene: DYNC1H1 (dynein cytoplasmic 1 heavy chain 1; plus strand). Cytogenetic location: 14q32.31.
Variant type: single nucleotide variant.
Coding change: c.11515G>A on transcript NM_001376.5 (MANE Select); coding-DNA position 11515, G replaced by A.
Protein change: p.Val3839Ile; replaces valine 3839 with isoleucine.
Molecular consequence: missense variant.
Genome position (GRCh38, 1-based): chr14:102,039,466, G>A. VCF-style: chr14-102039466-G-A. GRCh37 (hg19) VCF-style: chr14-102505803-G-A.
Other names: short protein forms V3839I.
Identifiers: ClinVar variation 4805769 (VCV004805769.1).